The following is an entry in ClinVar:

NM_005708.5(GPC6):c.710A>G (p.Lys237Arg)

Genes: GPC6 (glypican 6; plus strand), GPC6-AS2 (GPC6 antisense RNA 2; minus strand). Cytogenetic location: 13q31.3.
Variant type: single nucleotide variant.
Coding change: c.710A>G on transcript NM_005708.5 (MANE Select); coding-DNA position 710, A replaced by G.
Protein change: p.Lys237Arg; replaces lysine 237 with arginine.
Molecular consequence: missense variant.
Genome position (GRCh38, 1-based): chr13:93,830,544, A>G. VCF-style: chr13-93830544-A-G. GRCh37 (hg19) VCF-style: chr13-94482797-A-G.
Other names: short protein forms K237R.
Identifiers: ClinVar variation 1205989 (VCV001205989.9), dbSNP rs201337600, ClinGen allele CA7016908.

ClinVar aggregate classification (germline): Uncertain significance. Review status: criteria provided, multiple submitters, no conflicts (2 of 4 stars). 5 submissions from 5 submitters: Uncertain significance (3). 2 of the submissions do not count toward it. Last evaluated 2026-01-26.

Allele frequency attached by ClinVar (database versions not stated): ExAC 0.00038; ESP Exome Variant Server 0.00038; gnomAD exomes 0.00049 and 0.00058; gnomAD 0.00059; 1000 Genomes Project 0.00060; 1000 Genomes Project 30x 0.00062.
gnomAD v4.1: 931 of 1,606,406 alleles (0.058%); highest among the groups gnomAD compares: Middle Eastern, 0.1%; 1 homozygote.

Submissions (8):

Labcorp Genetics (formerly Invitae), Labcorp
Classification: Uncertain significance. Last evaluated: 2026-01-26. Review status: criteria provided, single submitter. Criteria: Invitae Variant Classification Sherloc (09022015). Collection method: clinical testing. Allele origin: germline.
Comment: This sequence change replaces lysine, which is basic and polar, with arginine, which is basic and polar, at codon 237 of the GPC6 protein (p.Lys237Arg). This variant is present in population databases (rs201337600, gnomAD 0.08%), and has an allele count higher than expected for a pathogenic variant. This variant has not been reported in the literature in individuals affected with GPC6-related conditions. ClinVar contains an entry for this variant (Variation ID: 1205989). An algorithm developed to predict the effect of missense changes on protein structure and function (PolyPhen-2) suggests that this variant is likely to be tolerated. In summary, the available evidence is currently insufficient to determine the role of this variant in disease. Therefore, it has been classified as a Variant of Uncertain Significance.

Blueprint Genetics
Classification: Uncertain significance. Last evaluated: 2024-11-07. Review status: criteria provided, single submitter. Criteria: ACMG Guidelines, 2015. Collection method: clinical testing. Allele origin: germline.

Breakthrough Genomics
Classification: Uncertain significance. Review status: criteria provided, single submitter. Criteria: ACMG Guidelines, 2015. Collection method: not provided. Allele origin: germline. Inheritance: Autosomal recessive inheritance. Affected: yes.

Clinical Genetics DNA and cytogenetics Diagnostics Lab, Erasmus MC, Erasmus Medical Center
Classification: Likely benign. Review status: no assertion criteria provided. Collection method: clinical testing. Allele origin: germline. Affected: yes. Study: VKGL Data-share Consensus. Not counted in ClinVar's aggregate classification.

Dr. Peter K. Rogan Lab, Western University
No classification provided (evidence only). Condition: Clear cell carcinoma of kidney. Review status: no classification provided. Collection method: in vitro. Allele origin: not applicable. Functional consequence: retained intron. Not counted in ClinVar's aggregate classification.

Dr. Peter K. Rogan Lab, Western University
No classification provided (evidence only). Condition: Nonpapillary renal cell carcinoma. Review status: no classification provided. Collection method: in vitro. Allele origin: not applicable. Functional consequence: retained intron. Not counted in ClinVar's aggregate classification.

Dr. Peter K. Rogan Lab, Western University
No classification provided (evidence only). Condition: Uterine carcinosarcoma. Review status: no classification provided. Collection method: in vitro. Allele origin: not applicable. Functional consequence: retained intron. Not counted in ClinVar's aggregate classification.

Laboratory of Diagnostic Genome Analysis, Leiden University Medical Center (LUMC)
Classification: Likely benign. Review status: no assertion criteria provided. Collection method: clinical testing. Allele origin: germline. Affected: yes. Study: VKGL Data-share Consensus. Not counted in ClinVar's aggregate classification.